The following is an entry in ClinVar:

ClinVar aggregate classification (germline): Benign/Likely benign. Review status: criteria provided, multiple submitters, no conflicts (2 of 4 stars). 2 submissions from 2 submitters: Benign (1); Likely benign (1). Last evaluated 2026-09-16.

Conditions:
Colorectal cancer, hereditary nonpolyposis, type 7. Identifiers: Orphanet 144, MedGen C1858380, MONDO:0013725, OMIM 614385.

Allele frequency attached by ClinVar (database versions not stated): gnomAD 0.00001; gnomAD exomes below 0.00001.
gnomAD v4.1: 2 of 1,601,228 alleles (0.00012%); highest among the groups gnomAD compares: African/African-American, 0.0013%; no homozygotes.

Submissions (2):

Myriad Genetics, Inc.
Classification: Benign for Colorectal cancer, hereditary nonpolyposis, type 7. Last evaluated: 2026-09-16. Review status: criteria provided, single submitter. Criteria: Myriad Autosomal Dominant, Autosomal Recessive and X-Linked Classification Criteria (2023). Collection method: clinical testing. Allele origin: unknown.
Comment: This variant is considered benign. This variant is a silent/synonymous amino acid change and it is not expected to impact splicing.

Ambry Genetics
Classification: Likely benign. Last evaluated: 2020-11-22. Review status: criteria provided, single submitter. Criteria: Ambry Variant Classification Scheme 2023. Collection method: clinical testing. Allele origin: germline.

NM_001040108.2(MLH3):c.3510T>C (p.Val1170=)

Gene: MLH3 (mutL homolog 3; minus strand). Cytogenetic location: 14q24.3.
Variant type: single nucleotide variant.
Coding change: c.3510T>C on transcript NM_001040108.2 (MANE Select); coding-DNA position 3510, T replaced by C.
Protein change: p.Val1170=; no amino-acid change (valine 1170 retained).
Molecular consequence: synonymous variant.
Genome position (GRCh38, 1-based): chr14:75,039,971, A>G on the plus strand (T>C on the coding strand, the complement: MLH3 is on the minus strand). VCF-style: chr14-75039971-A-G. GRCh37 (hg19) VCF-style: chr14-75506674-A-G.
Other names: c.3510T>C, p.Val1170= (NM_014381.3).
Identifiers: ClinVar variation 1732160 (VCV001732160.3), dbSNP rs1186621794, ClinGen allele CA487176550.
Genomic context (GRCh38, chr14:75,039,971, plus strand): 5'-CTGCATTGAATGAATCATTCCTTTGGTGAAACGATAGGGATACAAGATGTTGTGAATTTT[A>G]ACTGCTAAGCTCTCAGCCTGGCCACTGCTTACATCAACAGCAACCTAGAAAGACTCAGCA-3'
Protein context (NP_001035197.1, residues 1160-1180): VSSGQAESLA[Val1170=]KIHNILYPYR